The following is an entry in ClinVar:

ClinVar aggregate classification (germline): Uncertain significance. Review status: criteria provided, multiple submitters, no conflicts (2 of 4 stars). 2 submissions from 2 submitters: Uncertain significance (2). Last evaluated 2023-01-23.

Allele frequency attached by ClinVar (database versions not stated): gnomAD exomes below 0.00001 and 0.00001; TOPMed below 0.00001; ExAC 0.00001.
gnomAD v4.1: 4 of 1,614,080 alleles (0.00025%); highest among the groups gnomAD compares: East Asian, 0.0045%; no homozygotes.

Submissions (2):

GeneDx
Classification: Uncertain significance. Last evaluated: 2023-01-23. Review status: criteria provided, single submitter. Criteria: GeneDx Variant Classification Process June 2021. Collection method: clinical testing. Allele origin: germline. Affected: yes.
Comment: In silico analysis supports that this missense variant does not alter protein structure/function; Has not been previously published as pathogenic or benign to our knowledge

Labcorp Genetics (formerly Invitae), Labcorp
Classification: Uncertain significance. Last evaluated: 2021-11-27. Review status: criteria provided, single submitter. Criteria: Invitae Variant Classification Sherloc (09022015). Collection method: clinical testing. Allele origin: germline.
Comment: This sequence change replaces isoleucine, which is neutral and non-polar, with valine, which is neutral and non-polar, at codon 961 of the DMXL2 protein (p.Ile961Val). This variant is present in population databases (rs750559484, gnomAD 0.01%). This variant has not been reported in the literature in individuals affected with DMXL2-related conditions. Algorithms developed to predict the effect of missense changes on protein structure and function (SIFT, PolyPhen-2, Align-GVGD) all suggest that this variant is likely to be tolerated. Algorithms developed to predict the effect of sequence changes on RNA splicing suggest that this variant may create or strengthen a splice site. In summary, the available evidence is currently insufficient to determine the role of this variant in disease. Therefore, it has been classified as a Variant of Uncertain Significance.

NM_001378457.1(DMXL2):c.2881A>G (p.Ile961Val)

Gene: DMXL2 (Dmx like 2; minus strand). Cytogenetic location: 15q21.2.
Variant type: single nucleotide variant.
Coding change: c.2881A>G on transcript NM_001378457.1 (MANE Select); coding-DNA position 2881, A replaced by G.
Protein change: p.Ile961Val; replaces isoleucine 961 with valine.
Molecular consequence: missense variant. On other transcripts: non-coding transcript variant (2), intron variant (2).
Genome position (GRCh38, 1-based): chr15:51,502,917, T>C on the plus strand (A>G on the coding strand, the complement: DMXL2 is on the minus strand). VCF-style: chr15-51502917-T-C. GRCh37 (hg19) VCF-style: chr15-51795114-T-C.
Other names: c.2881A>G, p.Ile961Val (NM_001174116.3, NM_001378458.1, NM_001378459.1 and 4 more transcripts); c.2641A>G, p.Ile881Val (NM_001378464.1); c.2764+4217A>G (NM_001378460.1, NM_001174117.3); c.2881A>G (NM_001174116.1); short protein forms I961V, I881V.
Identifiers: ClinVar variation 1430204 (VCV001430204.3), dbSNP rs750559484, ClinGen allele CA7562232.
Genomic context (GRCh38, chr15:51,502,917, plus strand): 5'-GTTGGCTATACACCAGTCTAGAACTCAGAATAAGTTTACTGGCAGTTTGAAGATTGGCAA[T>C]TGATGAAGAATGTGGCATGGGGCTCACACTAGGAGAGGTTTCTGGAGAAGAATCTACGTT-3'
Protein context (NP_001365386.1, residues 951-971): SVSPMPHSSS[Ile961Val]ANLQTASKLI